The following is an entry in ClinVar:

ClinVar aggregate classification (germline): Pathogenic/Likely pathogenic. Review status: criteria provided, multiple submitters, no conflicts (2 of 4 stars). 3 submissions from 3 submitters: Pathogenic (1); Likely pathogenic (2). Last evaluated 2023-09-07.

Conditions:
Heimler syndrome 1 (HMLR1). Also called: PEROXISOME BIOGENESIS DISORDER 1C. Identifiers: Orphanet 3220, MedGen C4551980, OMIM 234580, MONDO:0024544.
Zellweger spectrum disorders (ZS). Also called: Zellweger syndrome; Zellweger Spectrum Disorder (ZSD); Zellweger Spectrum Disorder; Zellweger Spectrum. Identifiers: Orphanet 912, MedGen C0043459, MONDO:0019609.

Submissions (3):

Baylor Genetics
Classification: Likely pathogenic for Heimler syndrome 1. Last evaluated: 2023-09-07. Review status: criteria provided, single submitter. Criteria: ACMG Guidelines, 2015. Collection method: clinical testing. Allele origin: unknown.

Revvity Omics, Revvity
Classification: Likely pathogenic. Last evaluated: 2023-03-07. Review status: criteria provided, single submitter. Criteria: ACMG Guidelines, 2015. Collection method: clinical testing. Allele origin: germline.

Labcorp Genetics (formerly Invitae), Labcorp
Classification: Pathogenic for Zellweger spectrum disorders. Last evaluated: 2023-03-03. Review status: criteria provided, single submitter. Criteria: Invitae Variant Classification Sherloc (09022015). Collection method: clinical testing. Allele origin: germline.
Comment: For these reasons, this variant has been classified as Pathogenic. This variant has not been reported in the literature in individuals affected with PEX1-related conditions. This variant is not present in population databases (gnomAD no frequency). This sequence change creates a premature translational stop signal (p.Ser4Glnfs*64) in the PEX1 gene. It is expected to result in an absent or disrupted protein product. Loss-of-function variants in PEX1 are known to be pathogenic (PMID: 9398847, 16086329, 16141001, 21031596, 26387595, 31831025).

Literature cited by the submitters: PubMed 9398847 (cited by Labcorp Genetics (formerly Invitae), Labcorp); PubMed 16086329 (cited by Labcorp Genetics (formerly Invitae), Labcorp); PubMed 16141001 (cited by Labcorp Genetics (formerly Invitae), Labcorp); PubMed 21031596 (cited by Labcorp Genetics (formerly Invitae), Labcorp); PubMed 26387595 (cited by Labcorp Genetics (formerly Invitae), Labcorp); PubMed 31831025 (cited by Labcorp Genetics (formerly Invitae), Labcorp).

NM_000466.3(PEX1):c.8dup (p.Ser4fs)

Genes: PEX1 (peroxisomal biogenesis factor 1; minus strand), LOC129998796 (ATAC-STARR-seq lymphoblastoid silent region 18372; plus strand). Cytogenetic location: 7q21.2.
Variant type: Duplication.
Coding change: c.8dup on transcript NM_000466.3 (MANE Select); coding-DNA position 8, one base duplicated (G; older notation c.8dupG).
Protein change: p.Ser4fs; shifts the reading frame from serine 4.
Molecular consequence: frameshift variant. On other transcripts: 5 prime UTR variant (1).
Genome position (GRCh38, 1-based): chr7:92,528,428, C duplicated on the plus strand (G on the coding strand, the reverse complement: PEX1 is on the minus strand); the first of 4 consecutive C bases (chr7:92,528,428-92,528,431); duplicating any one gives the same sequence. VCF-style (leftmost placement, unchanged base first): chr7-92528427-G-GC. GRCh37 (hg19) VCF-style: chr7-92157741-G-GC.
Other names: c.8dup, p.Ser4fs (NM_001282677.2); c.-652dup (NM_001282678.2); short protein forms S4fs.
Identifiers: ClinVar variation 2677608 (VCV002677608.6), dbSNP rs2484726009, ClinGen allele CA2695199567.